The following is an entry in ClinVar:

ClinVar aggregate classification (germline): Uncertain significance (1 of 4 stars; one submission).

Conditions:
Dilated cardiomyopathy 1G (CMD1G). Identifiers: Orphanet 154, MedGen C1858763, MONDO:0011400, OMIM 604145.
Autosomal recessive limb-girdle muscular dystrophy type 2J (LGMDR10). Also called: MUSCULAR DYSTROPHY, LIMB-GIRDLE, AUTOSOMAL RECESSIVE 10; Limb-girdle muscular dystrophy, type 2J. Identifiers: Orphanet 140922, MedGen C1837342, MONDO:0012127, OMIM 608807.

Submission:

Labcorp Genetics (formerly Invitae), Labcorp
Classification: Uncertain significance for Dilated cardiomyopathy 1G; Autosomal recessive limb-girdle muscular dystrophy type 2J. Last evaluated: 2023-01-29. Review status: criteria provided, single submitter. Criteria: Invitae Variant Classification Sherloc (09022015). Collection method: clinical testing. Allele origin: germline.
Comment: This variant is not present in population databases (gnomAD no frequency). This sequence change falls in intron 104 of the TTN gene. It does not directly change the encoded amino acid sequence of the TTN protein. It affects a nucleotide within the consensus splice site. This variant has not been reported in the literature in individuals affected with TTN-related conditions. Variants that disrupt the consensus splice site are a relatively common cause of aberrant splicing (PMID: 17576681, 9536098). Algorithms developed to predict the effect of sequence changes on RNA splicing suggest that this variant is not likely to affect RNA splicing. In summary, the available evidence is currently insufficient to determine the role of this variant in disease. Therefore, it has been classified as a Variant of Uncertain Significance.

Literature cited by the submitters: PubMed 17576681; PubMed 9536098.

NM_001267550.2(TTN):c.29694+5A>T

Gene: TTN (titin; minus strand). Cytogenetic location: 2q31.2.
Variant type: single nucleotide variant.
Coding change: c.29694+5A>T on transcript NM_001267550.2 (MANE Select); 5 bases into the intron after coding-DNA position 29694, A replaced by T.
Molecular consequence: intron variant.
Genome position (GRCh38, 1-based): chr2:178,704,872, T>A on the plus strand (A>T on the coding strand, the complement: TTN is on the minus strand). VCF-style: chr2-178704872-T-A. GRCh37 (hg19) VCF-style: chr2-179569599-T-A.
Other names: c.13282+33210A>T (NM_003319.4); c.13858+33210A>T (NM_133437.4); c.13657+33210A>T (NM_133432.3); c.25962+5A>T (NM_133378.4); c.28743+5A>T (NM_001256850.1).
Identifiers: ClinVar variation 2943714 (VCV002943714.3), dbSNP rs2475241622, ClinGen allele CA2577173771.